The following is an entry in ClinVar:

ClinVar aggregate classification (germline): Uncertain significance. Review status: criteria provided, multiple submitters, no conflicts (2 of 4 stars). 3 submissions from 3 submitters: Uncertain significance (3). Last evaluated 2023-09-04.

Conditions:
Emery-Dreifuss muscular dystrophy 5, autosomal dominant (EDMD5). Also called: EMERY-DREIFUSS MUSCULAR DYSTROPHY 5. Identifiers: Orphanet 261, MedGen C2751805, MONDO:0013072, OMIM 612999.

Allele frequency attached by ClinVar (database versions not stated): gnomAD 0.00002 and 0.00003; ExAC 0.00003; gnomAD exomes 0.00003; TOPMed 0.00003; 1000 Genomes Project 30x 0.00016; 1000 Genomes Project 0.00020.
gnomAD v4.1: 40 of 1,613,210 alleles (0.0025%); highest among the groups gnomAD compares: South Asian, 0.0077%; no homozygotes.

Submissions (3):

Revvity Omics, Revvity
Classification: Uncertain significance for Emery-Dreifuss muscular dystrophy 5, autosomal dominant. Last evaluated: 2023-09-04. Review status: criteria provided, single submitter. Criteria: ACMG Guidelines, 2015. Collection method: clinical testing. Allele origin: germline.

Labcorp Genetics (formerly Invitae), Labcorp
Classification: Uncertain significance for Emery-Dreifuss muscular dystrophy 5, autosomal dominant. Last evaluated: 2022-09-06. Review status: criteria provided, single submitter. Criteria: Invitae Variant Classification Sherloc (09022015). Collection method: clinical testing. Allele origin: germline.
Comment: This sequence change replaces arginine, which is basic and polar, with cysteine, which is neutral and slightly polar, at codon 1169 of the SYNE2 protein (p.Arg1169Cys). This variant is present in population databases (rs574167855, gnomAD 0.02%). This variant has not been reported in the literature in individuals affected with SYNE2-related conditions. ClinVar contains an entry for this variant (Variation ID: 1361238). Algorithms developed to predict the effect of missense changes on protein structure and function output the following: SIFT: "Tolerated"; PolyPhen-2: "Benign"; Align-GVGD: "Class C0". The cysteine amino acid residue is found in multiple mammalian species, which suggests that this missense change does not adversely affect protein function. In summary, the available evidence is currently insufficient to determine the role of this variant in disease. Therefore, it has been classified as a Variant of Uncertain Significance.

Laboratorio de Genetica e Diagnostico Molecular, Hospital Israelita Albert Einstein
Classification: Uncertain significance. Last evaluated: 2022-04-11. Review status: criteria provided, single submitter. Criteria: ACMG Guidelines, 2015. Collection method: clinical testing. Allele origin: germline. Affected: yes.
Comment: ACMG classification criteria: BP4

NM_182914.3(SYNE2):c.3505C>T (p.Arg1169Cys)

Gene: SYNE2 (spectrin repeat containing nuclear envelope protein 2; plus strand). Cytogenetic location: 14q23.2.
Variant type: single nucleotide variant.
Coding change: c.3505C>T on transcript NM_182914.3 (MANE Select); coding-DNA position 3505, C replaced by T.
Protein change: p.Arg1169Cys; replaces arginine 1169 with cysteine.
Molecular consequence: missense variant.
Genome position (GRCh38, 1-based): chr14:64,000,586, C>T. VCF-style: chr14-64000586-C-T. GRCh37 (hg19) VCF-style: chr14-64467304-C-T.
Other names: c.3505C>T (NM_182914.2); c.3505C>T, p.Arg1169Cys (NM_015180.6); short protein forms R1169C.
Identifiers: ClinVar variation 1361238 (VCV001361238.9), dbSNP rs574167855, ClinGen allele CA7219987.